The following is an entry in ClinVar:

ClinVar aggregate classification (germline): Benign/Likely benign. Review status: criteria provided, multiple submitters, no conflicts (2 of 4 stars). 3 submissions from 3 submitters: Benign (1); Likely benign (1). 1 of the submissions does not count toward it. Last evaluated 2026-01-21.

Conditions:
GRIP1-related disorder. Also called: GRIP1-related condition.
Fraser syndrome 3. Identifiers: MedGen C4540040, MONDO:0054739, OMIM 617667.

Allele frequency attached by ClinVar (database versions not stated): gnomAD below 0.00001 and 0.00020; TOPMed 0.00003; gnomAD exomes 0.00101; ExAC 0.00111; 1000 Genomes Project 30x 0.00125; 1000 Genomes Project 0.00140.
gnomAD v4.1: 700 of 1,578,244 alleles (0.044%); highest among the groups gnomAD compares: South Asian, 0.71%; 12 homozygotes.

Submissions (3):

Labcorp Genetics (formerly Invitae), Labcorp
Classification: Benign. Last evaluated: 2026-01-21. Review status: criteria provided, single submitter. Criteria: Invitae Variant Classification Sherloc (09022015). Collection method: clinical testing. Allele origin: germline.

Illumina Laboratory Services, Illumina
Classification: Likely benign for Fraser syndrome 3. Last evaluated: 2018-01-13. Review status: criteria provided, single submitter. Criteria: ICSL Variant Classification Criteria 13 December 2019. Collection method: clinical testing. Allele origin: germline.
Comment: This variant was observed in the ICSL laboratory as part of a predisposition screen in an ostensibly healthy population. It had not been previously curated by ICSL or reported in the Human Gene Mutation Database (HGMD: prior to June 1st, 2018), and was therefore a candidate for classification through an automated scoring system. Utilizing variant allele frequency, disease prevalence and penetrance estimates, and inheritance mode, an automated score was calculated to assess if this variant is too frequent to cause the disease. Based on the score and internal cut-off values, a variant classified as likely benign is not then subjected to further curation. The score for this variant resulted in a classification of likely benign for this disease.

PreventionGenetics, part of Exact Sciences
Classification: Benign for GRIP1-related condition. Last evaluated: 2019-08-30. Review status: no assertion criteria provided. Collection method: clinical testing. Allele origin: germline. Not counted in ClinVar's aggregate classification.
Comment: This variant is classified as benign based on ACMG/AMP sequence variant interpretation guidelines (Richards et al. 2015 PMID: 25741868, with internal and published modifications).

NM_001366722.1(GRIP1):c.1787C>G (p.Pro596Arg)

Gene: GRIP1 (glutamate receptor interacting protein 1; minus strand). Cytogenetic location: 12q14.3.
Variant type: single nucleotide variant.
Coding change: c.1787C>G on transcript NM_001366722.1 (MANE Select); coding-DNA position 1787, C replaced by G.
Protein change: p.Pro596Arg; replaces proline 596 with arginine.
Molecular consequence: missense variant.
Genome position (GRCh38, 1-based): chr12:66,420,771, G>C on the plus strand (C>G on the coding strand, the complement: GRIP1 is on the minus strand). VCF-style: chr12-66420771-G-C. GRCh37 (hg19) VCF-style: chr12-66814551-G-C.
Other names: c.1631C>G, p.Pro544Arg (NM_001178074.2, NM_021150.4); c.1706C>G, p.Pro569Arg (NM_001366723.1); c.1709C>G, p.Pro570Arg (NM_001366724.1); short protein forms P544R, P570R, P596R, P569R.
Identifiers: ClinVar variation 310306 (VCV000310306.15), dbSNP rs200955760, ClinGen allele CA6674283.
Genomic context (GRCh38, chr12:66,420,771, plus strand): 5'-TTTCCTTACCTGTGTGCCACACTCCCTTTCTTGATATCTGAAATGACGAGGGGGTCTCCT[G>C]GTTTTCTACTGGATGGTGCTGTAATAATGGAGATAGAATAATCACATCTTTATATCCATT-3'
Protein context (NP_001353651.1, residues 586-606): ITISSPSSRK[Pro596Arg]GDPLVISDIK